The following is an entry in ClinVar:

ClinVar aggregate classification (germline): Uncertain significance. Review status: criteria provided, multiple submitters, no conflicts (2 of 4 stars). 3 submissions from 3 submitters: Uncertain significance (3). Last evaluated 2024-08-23.

Conditions:
Inborn genetic diseases. Identifiers: MedGen C0950123, MeSH D030342.

Allele frequency attached by ClinVar (database versions not stated): TOPMed 0.00004; gnomAD 0.00006; ExAC 0.00007; gnomAD exomes 0.00010; ESP Exome Variant Server 0.00015.
gnomAD v4.1: 154 of 1,614,028 alleles (0.0095%); highest among the groups gnomAD compares: Non-Finnish European, 0.0094%; no homozygotes.

Submissions (3):

Labcorp Genetics (formerly Invitae), Labcorp
Classification: Uncertain significance. Last evaluated: 2024-08-23. Review status: criteria provided, single submitter. Criteria: Invitae Variant Classification Sherloc (09022015). Collection method: clinical testing. Allele origin: germline.
Comment: This sequence change replaces lysine, which is basic and polar, with arginine, which is basic and polar, at codon 140 of the SPARC protein (p.Lys140Arg). This variant is present in population databases (rs200223394, gnomAD 0.06%). This variant has not been reported in the literature in individuals affected with SPARC-related conditions. ClinVar contains an entry for this variant (Variation ID: 2180690). Invitae Evidence Modeling of protein sequence and biophysical properties (such as structural, functional, and spatial information, amino acid conservation, physicochemical variation, residue mobility, and thermodynamic stability) indicates that this missense variant is not expected to disrupt SPARC protein function with a negative predictive value of 80%. In summary, the available evidence is currently insufficient to determine the role of this variant in disease. Therefore, it has been classified as a Variant of Uncertain Significance.

Mayo Clinic Laboratories, Mayo Clinic
Classification: Uncertain significance. Last evaluated: 2023-06-30. Review status: criteria provided, single submitter. Criteria: ACMG Guidelines, 2015. Collection method: clinical testing. Allele origin: germline. Observed: 1 variant allele.

Ambry Genetics
Classification: Uncertain significance for Inborn genetic diseases. Last evaluated: 2023-03-24. Review status: criteria provided, single submitter. Criteria: Ambry Variant Classification Scheme 2023. Collection method: clinical testing. Allele origin: germline.

NM_003118.4(SPARC):c.419A>G (p.Lys140Arg)

Gene: SPARC (secreted protein acidic and cysteine rich; minus strand). Cytogenetic location: 5q33.1.
Variant type: single nucleotide variant.
Coding change: c.419A>G on transcript NM_003118.4 (MANE Select); coding-DNA position 419, A replaced by G.
Protein change: p.Lys140Arg; replaces lysine 140 with arginine.
Molecular consequence: missense variant.
Genome position (GRCh38, 1-based): chr5:151,669,696, T>C on the plus strand (A>G on the coding strand, the complement: SPARC is on the minus strand). VCF-style: chr5-151669696-T-C. GRCh37 (hg19) VCF-style: chr5-151049257-T-C.
Other names: p.Lys140Arg; c.416A>G, p.Lys139Arg (NM_001309443.2); c.419A>G, p.Lys140Arg (NM_001309444.2); c.419A>G (NM_003118.2); short protein forms K140R, K139R.
Identifiers: ClinVar variation 2180690 (VCV002180690.5), dbSNP rs200223394, ClinGen allele CA3522710.